The following is an entry in ClinVar:

ClinVar aggregate classification (germline): Pathogenic/Likely pathogenic. Review status: criteria provided, multiple submitters, no conflicts (2 of 4 stars). 2 submissions from 2 submitters: Pathogenic (1); Likely pathogenic (1). Last evaluated 2024-06-07.

Conditions:
Mucopolysaccharidosis, MPS-II (MPS2). Also called: Hunter Syndrome; IDURONATE 2-SULFATASE DEFICIENCY; Mucopolysaccharidosis Type II; Mucopolysaccharidosis with skin involvement; IDS deficiency; Sulfoiduronate sulfatase deficiency. Identifiers: Orphanet 580, Orphanet 79388, MedGen C0026705, MONDO:0010674, OMIM 309900.

Submissions (2):

Laboratory of Diagnosis and Therapy of Lysosomal Disorders, University of Padova
Classification: Pathogenic for Mucopolysaccharidosis, MPS-II. Last evaluated: 2024-06-07. Review status: criteria provided, single submitter. Criteria: ACMG Guidelines, 2015. Collection method: literature only. Allele origin: germline. Affected: yes. Observed: 2 variant alleles.
Comment: Located in a mutational hot spot and/or critical functional domain (PM1_Moderate), Absent from controls (or at low frequency) in gnomAD database (PM2_Moderate), Missense variant in a gene with a low rate of benign missense variation (PP2_Supporting), Multiple lines of computational evidence support a deleterious effect (PP3_Supporting), Patient’s phenotype or family history highly specific for the disease (PP4_Strong)

Classification method: ACMG Guidelines [PMID:25741868] with modifications

Revvity Omics, Revvity
Classification: Likely pathogenic for Mucopolysaccharidosis, MPS-II. Last evaluated: 2022-03-29. Review status: criteria provided, single submitter. Criteria: ACMG Guidelines, 2015. Collection method: clinical testing. Allele origin: germline.

Literature cited by the submitters: PubMed 7887413 (cited by Laboratory of Diagnosis and Therapy of Lysosomal Disorders, University of Padova); PubMed 36945845 (cited by Laboratory of Diagnosis and Therapy of Lysosomal Disorders, University of Padova).

NM_000202.8(IDS):c.685C>T (p.His229Tyr)

Genes: IDS (iduronate 2-sulfatase; minus strand), LOC106050102 (IDS recombination region; plus strand). Cytogenetic location: Xq28.
Variant type: single nucleotide variant.
Coding change: c.685C>T on transcript NM_000202.8 (MANE Select); coding-DNA position 685, C replaced by T.
Protein change: p.His229Tyr; replaces histidine 229 with tyrosine.
Molecular consequence: missense variant. On other transcripts: non-coding transcript variant (1).
Genome position (GRCh38, 1-based): chrX:149,498,130, G>A on the plus strand (C>T on the coding strand, the complement: IDS is on the minus strand). VCF-style: chrX-149498130-G-A. GRCh37 (hg19) VCF-style: chrX-148579661-G-A.
Other names: c.415C>T, p.His139Tyr (NM_001166550.4); c.685C>T, p.His229Tyr (NM_006123.5); short protein forms H139Y, H229Y.
Identifiers: ClinVar variation 2440836 (VCV002440836.5), dbSNP rs2520862570, ClinGen allele CA414522177.